The following is an entry in ClinVar:

NM_001042492.3(NF1):c.5275T>C (p.Ser1759Pro)

Gene: NF1 (neurofibromin 1; plus strand). Cytogenetic location: 17q11.2.
Variant type: single nucleotide variant.
Coding change: c.5275T>C on transcript NM_001042492.3 (MANE Select); coding-DNA position 5275, T replaced by C.
Protein change: p.Ser1759Pro; replaces serine 1759 with proline.
Molecular consequence: missense variant.
Genome position (GRCh38, 1-based): chr17:31,327,505, T>C. VCF-style: chr17-31327505-T-C. GRCh37 (hg19) VCF-style: chr17-29654523-T-C.
Other names: c.5212T>C, p.Ser1738Pro (NM_000267.4); short protein forms S1759P, S1738P.
Identifiers: ClinVar variation 960410 (VCV000960410.13), dbSNP rs2069375050, ClinGen allele CA399008886.
Genomic context (GRCh38, chr17:31,327,505, plus strand): 5'-TATGTAAAAGAGTTTAATTCTTCTCCACTTCACCCCGTCACCACCACTTTCCAGGTTGGT[T>C]CTACTGCTGTCCAAGTAACTTCAGCAGAGCGAACAAAAGTCCTAGGGCAATCAGTCTTTC-3'
Protein context (NP_001035957.1, residues 1749-1769): KDTKVSIKVG[Ser1759Pro]TAVQVTSAER

ClinVar aggregate classification (germline): Uncertain significance. Review status: criteria provided, multiple submitters, no conflicts (2 of 4 stars). 5 submissions from 5 submitters: Uncertain significance (5). Last evaluated 2025-03-22.

Conditions:
Hereditary cancer-predisposing syndrome. Also called: Hereditary neoplastic syndrome; Tumor predisposition; Neoplastic Syndromes, Hereditary; Hereditary Cancer Syndrome. Identifiers: Orphanet 140162, MedGen C0027672, MeSH D009386, MONDO:0015356.
Cardiovascular phenotype. Identifiers: MedGen CN230736.
Neurofibromatosis, type 1 (NF1). Also called: Peripheral type neurofibromatosis; VON RECKLINGHAUSEN DISEASE; NEUROFIBROMATOSIS, TYPE I, SOMATIC; Neurofibromatosis, type I. Identifiers: Orphanet 636, MedGen C0027831, MONDO:0018975, OMIM 162200. Disease mechanism: loss of function.
Neurofibromatosis, familial spinal (FSNF). Identifiers: Orphanet 636, MedGen C1834235, MONDO:0008078, OMIM 162210. Disease mechanism: loss of function.
Neurofibromatosis-Noonan syndrome (NFNS). Also called: NEUROFIBROMATOSIS WITH NOONAN PHENOTYPE. Identifiers: Orphanet 638, MedGen C2931482, MONDO:0011035, OMIM 601321. Disease mechanism: loss of function.
Café-au-lait macules with pulmonary stenosis (WTSN). Also called: PULMONIC STENOSIS WITH CAFE-AU-LAIT SPOTS. Identifiers: MedGen C0553586, MONDO:0008672, OMIM 193520.
Juvenile myelomonocytic leukemia (JMML). Also called: LEUKEMIA, JUVENILE MYELOMONOCYTIC, SOMATIC. Identifiers: Orphanet 86834, MedGen C0349639, MONDO:0011908, OMIM 607785, HP:0012209.

Submissions (5):

Ambry Genetics
Classification: Uncertain significance for Cardiovascular phenotype; Hereditary cancer-predisposing syndrome. Last evaluated: 2025-03-22. Review status: criteria provided, single submitter. Criteria: Ambry Variant Classification Scheme 2023. Collection method: clinical testing. Allele origin: germline.
Comment: The p.S1738P variant (also known as c.5212T>C), located in coding exon 37 of the NF1 gene, results from a T to C substitution at nucleotide position 5212. The serine at codon 1738 is replaced by proline, an amino acid with similar properties. This amino acid position is highly conserved in available vertebrate species. In addition, this alteration is predicted to be deleterious by in silico analysis. Since supporting evidence is limited at this time, the clinical significance of this alteration remains unclear.

Fulgent Genetics
Classification: Uncertain significance for Neurofibromatosis, type 1; Neurofibromatosis, familial spinal; Café-au-lait macules with pulmonary stenosis; Neurofibromatosis-Noonan syndrome; Juvenile myelomonocytic leukemia. Last evaluated: 2024-06-11. Review status: criteria provided, single submitter. Criteria: ACMG Guidelines, 2015. Collection method: clinical testing. Allele origin: germline.

Labcorp Genetics (formerly Invitae), Labcorp
Classification: Uncertain significance for Neurofibromatosis, type 1. Last evaluated: 2024-02-11. Review status: criteria provided, single submitter. Criteria: Invitae Variant Classification Sherloc (09022015). Collection method: clinical testing. Allele origin: germline.
Comment: This sequence change replaces serine, which is neutral and polar, with proline, which is neutral and non-polar, at codon 1738 of the NF1 protein (p.Ser1738Pro). This variant is not present in population databases (gnomAD no frequency). This variant has not been reported in the literature in individuals affected with NF1-related conditions. ClinVar contains an entry for this variant (Variation ID: 960410). Advanced modeling of protein sequence and biophysical properties (such as structural, functional, and spatial information, amino acid conservation, physicochemical variation, residue mobility, and thermodynamic stability) performed at Invitae indicates that this missense variant is not expected to disrupt NF1 protein function with a negative predictive value of 95%. In summary, the available evidence is currently insufficient to determine the role of this variant in disease. Therefore, it has been classified as a Variant of Uncertain Significance.

Genome-Nilou Lab
Classification: Uncertain significance for Neurofibromatosis, type 1. Last evaluated: 2022-03-15. Review status: criteria provided, single submitter. Criteria: ACMG Guidelines, 2015. Collection method: clinical testing. Allele origin: germline. Affected: no.

Sema4
Classification: Uncertain significance for Hereditary cancer-predisposing syndrome. Last evaluated: 2021-11-06. Review status: criteria provided, single submitter. Criteria: Sema4 Curation Guidelines. Collection method: curation. Allele origin: germline.
Comment: The NF1 c.5212T>C (p.S1738P) variant has not been reported in the literature to our knowledge. It was not observed in the large and broad cohorts of the Genome Aggregation Database. The variant has been reported in ClinVar (Variation ID: 960410). Functional studies have not been performed, and in silico predictions of the variant's effect on protein function are inconclusive. The evidence is insufficient to meet ACMG/AMP criteria for classifying the variant as benign or pathogenic. Thus, the clinical significance of this variant is currently uncertain.